The following is an entry in ClinVar:

ClinVar aggregate classification (germline): Likely benign. Review status: criteria provided, single submitter (1 of 4 stars). 2 submissions from 2 submitters: Likely benign (1). 1 of the submissions does not count toward it. Last evaluated 2024-09-27.

Conditions:
ATRX-related disorder. Also called: ATRX-related condition.
Alpha thalassemia-X-linked intellectual disability syndrome (ATRX). Also called: ALPHA-THALASSEMIA/MENTAL RETARDATION SYNDROME, X-LINKED; ATR, NONDELETION TYPE; ATR-X syndrome; Alpha thalassemia mental retardation syndrome, nondeletion type, X-linked; XLMR hypotonic face syndrome; X-linked alpha-thalassemia-mental retardation syndrome. Identifiers: Orphanet 847, MedGen C1845055, MONDO:0010519, OMIM 301040.

Allele frequency attached by ClinVar (database versions not stated): ExAC 0.00002; ESP Exome Variant Server 0.00019; gnomAD exomes 0.00003; gnomAD 0.00002; TOPMed 0.00002.
gnomAD v4.1: 16 of 1,202,668 alleles (0.0013%); highest among the groups gnomAD compares: African/African-American, 0.019%; no homozygotes.

Submissions (2):

Labcorp Genetics (formerly Invitae), Labcorp
Classification: Likely benign for Alpha thalassemia-X-linked intellectual disability syndrome. Last evaluated: 2024-09-27. Review status: criteria provided, single submitter. Criteria: Invitae Variant Classification Sherloc (09022015). Collection method: clinical testing. Allele origin: germline.

PreventionGenetics, part of Exact Sciences
Classification: Likely benign for ATRX-related condition. Last evaluated: 2023-02-16. Review status: no assertion criteria provided. Collection method: clinical testing. Allele origin: germline. Not counted in ClinVar's aggregate classification.
Comment: This variant is classified as likely benign based on ACMG/AMP sequence variant interpretation guidelines (Richards et al. 2015 PMID: 25741868, with internal and published modifications).

NM_000489.6(ATRX):c.5786+7C>T

Gene: ATRX (ATRX chromatin remodeler; minus strand). Cytogenetic location: Xq21.1.
Variant type: single nucleotide variant.
Coding change: c.5786+7C>T on transcript NM_000489.6 (MANE Select); 7 bases into the intron after coding-DNA position 5786, C replaced by T.
Molecular consequence: intron variant.
Genome position (GRCh38, 1-based): chrX:77,599,725, G>A on the plus strand (C>T on the coding strand, the complement: ATRX is on the minus strand). VCF-style: chrX-77599725-G-A. GRCh37 (hg19) VCF-style: chrX-76855194-G-A.
Other names: c.5786+7C>T (NM_000489.4); c.5672+7C>T (NM_138270.5).
Identifiers: ClinVar variation 1145993 (VCV001145993.11), dbSNP rs375234450, ClinGen allele CA10457624.